The following is an entry in ClinVar:

NM_000264.5(PTCH1):c.4079C>A (p.Ser1360Tyr)

Gene: PTCH1 (patched 1; minus strand). Cytogenetic location: 9q22.32.
Variant type: single nucleotide variant.
Coding change: c.4079C>A on transcript NM_000264.5 (MANE Select); coding-DNA position 4079, C replaced by A.
Protein change: p.Ser1360Tyr; replaces serine 1360 with tyrosine.
Molecular consequence: missense variant. On other transcripts: non-coding transcript variant (1).
Genome position (GRCh38, 1-based): chr9:95,447,177, G>T on the plus strand (C>A on the coding strand, the complement: PTCH1 is on the minus strand). VCF-style: chr9-95447177-G-T. GRCh37 (hg19) VCF-style: chr9-98209459-G-T.
Other names: c.3881C>A, p.Ser1294Tyr (NM_001083602.3); c.4076C>A, p.Ser1359Tyr (NM_001083603.3); c.3626C>A, p.Ser1209Tyr (NM_001083604.3, NM_001083605.3, NM_001083606.3 and 1 more transcripts); c.3923C>A, p.Ser1308Tyr (NM_001354918.2); short protein forms S1209Y, S1294Y, S1308Y, S1359Y, S1360Y.
Identifiers: ClinVar variation 2449644 (VCV002449644.2), dbSNP rs2136577196, ClinGen allele CA374110358.
Genomic context (GRCh38, chr9:95,447,177, plus strand): 5'-GCGACAGTCACGGAGGCAGAAGCCGTCACAGTGGTGATGGGCTGGCAGTAGCCGGGCACG[G>T]AGCTGCCCATGGCAGTGGACGCTGGGTTCCGAGGGTTGTGAGAACGGGCCCCGCGAGGGC-3'
Protein context (NP_000255.2, residues 1350-1370): RNPASTAMGS[Ser1360Tyr]VPGYCQPITT

ClinVar aggregate classification (germline): Uncertain significance (1 of 4 stars; one submission).

Conditions:
Hereditary cancer-predisposing syndrome. Also called: Neoplastic Syndromes, Hereditary; Tumor predisposition; Hereditary neoplastic syndrome; Hereditary Cancer Syndrome. Identifiers: Orphanet 140162, MedGen C0027672, MeSH D009386, MONDO:0015356.

Submission:

Ambry Genetics
Classification: Uncertain significance for Hereditary cancer-predisposing syndrome. Last evaluated: 2022-12-16. Review status: criteria provided, single submitter. Criteria: Ambry Variant Classification Scheme 2023. Collection method: clinical testing. Allele origin: germline.
Comment: The p.S1360Y variant (also known as c.4079C>A), located in coding exon 23 of the PTCH1 gene, results from a C to A substitution at nucleotide position 4079. The serine at codon 1360 is replaced by tyrosine, an amino acid with dissimilar properties. This amino acid position is conserved. In addition, the in silico prediction for this alteration is inconclusive. Since supporting evidence is limited at this time, the clinical significance of this alteration remains unclear.